The following is an entry in ClinVar:

NM_133259.4(LRPPRC):c.3624T>A (p.Asn1208Lys)

Gene: LRPPRC (leucine rich pentatricopeptide repeat containing; minus strand). Cytogenetic location: 2p21.
Variant type: single nucleotide variant.
Coding change: c.3624T>A on transcript NM_133259.4 (MANE Select); coding-DNA position 3624, T replaced by A.
Protein change: p.Asn1208Lys; replaces asparagine 1208 with lysine.
Molecular consequence: missense variant.
Genome position (GRCh38, 1-based): chr2:43,899,551, A>T on the plus strand (T>A on the coding strand, the complement: LRPPRC is on the minus strand). VCF-style: chr2-43899551-A-T. GRCh37 (hg19) VCF-style: chr2-44126690-A-T.
Other names: c.3624T>A (NM_133259.3); short protein forms N1208K.
Identifiers: ClinVar variation 2078052 (VCV002078052.3), dbSNP rs778342046, ClinGen allele CA1638006.

ClinVar aggregate classification (germline): Uncertain significance. Review status: criteria provided, multiple submitters, no conflicts (2 of 4 stars). 2 submissions from 2 submitters: Uncertain significance (2). Last evaluated 2023-06-13.

Conditions:
Inborn genetic diseases. Identifiers: MedGen C0950123, MeSH D030342.

Allele frequency attached by ClinVar (database versions not stated): gnomAD 0.00001; ExAC 0.00002; gnomAD exomes 0.00002; TOPMed 0.00006.
gnomAD v4.1: 41 of 1,611,398 alleles (0.0025%); highest among the groups gnomAD compares: Non-Finnish European, 0.0028%; no homozygotes.

Submissions (2):

Ambry Genetics
Classification: Uncertain significance for Inborn genetic diseases. Last evaluated: 2023-06-13. Review status: criteria provided, single submitter. Criteria: Ambry Variant Classification Scheme 2023. Collection method: clinical testing. Allele origin: germline.

Labcorp Genetics (formerly Invitae), Labcorp
Classification: Uncertain significance. Last evaluated: 2022-06-15. Review status: criteria provided, single submitter. Criteria: Invitae Variant Classification Sherloc (09022015). Collection method: clinical testing. Allele origin: germline.
Comment: This sequence change replaces asparagine, which is neutral and polar, with lysine, which is basic and polar, at codon 1208 of the LRPPRC protein (p.Asn1208Lys). This variant is present in population databases (rs778342046, gnomAD 0.004%). This variant has not been reported in the literature in individuals affected with LRPPRC-related conditions. Algorithms developed to predict the effect of missense changes on protein structure and function (SIFT, PolyPhen-2, Align-GVGD) all suggest that this variant is likely to be tolerated. In summary, the available evidence is currently insufficient to determine the role of this variant in disease. Therefore, it has been classified as a Variant of Uncertain Significance.